The following is an entry in ClinVar:

NM_001372076.1(PAX9):c.51C>G (p.Asn17Lys)

Gene: PAX9 (paired box 9; plus strand). Cytogenetic location: 14q13.3.
Variant type: single nucleotide variant.
Coding change: c.51C>G on transcript NM_001372076.1 (MANE Select); coding-DNA position 51, C replaced by G.
Protein change: p.Asn17Lys; replaces asparagine 17 with lysine.
Molecular consequence: missense variant.
Genome position (GRCh38, 1-based): chr14:36,662,943, C>G. VCF-style: chr14-36662943-C-G. GRCh37 (hg19) VCF-style: chr14-37132148-C-G.
Other names: c.51C>G, p.Asn17Lys (NM_006194.4); short protein forms N17K.
Identifiers: ClinVar variation 666317 (VCV000666317.2), dbSNP rs745522921, ClinGen allele CA389466013.
Genomic context (GRCh38, chr14:36,662,943, plus strand): 5'-TGTTCATTTTGCAGAGCCAGCCTTCGGGGAGGTGAACCAGCTGGGAGGAGTGTTCGTGAA[C>G]GGGAGGCCGCTGCCCAACGCCATCCGGCTTCGCATCGTGGAACTGGCCCAACTGGGCATC-3'
Protein context (NP_001359005.1, residues 7-27): EVNQLGGVFV[Asn17Lys]GRPLPNAIRL

ClinVar aggregate classification (germline): Likely pathogenic. Review status: criteria provided, single submitter (1 of 4 stars). 2 submissions from 2 submitters: Likely pathogenic (1). 1 of the submissions does not count toward it. Last evaluated 2014-01-01.

Conditions:
Tooth agenesis, selective, 3 (STHAG3). Also called: HYPODONTIA/OLIGODONTIA 3. Identifiers: Orphanet 99798, MedGen C1970291, MONDO:0011477, OMIM 604625. Disease mechanism: loss of function.

Submissions (2):

Equipe Genetique des Anomalies du Developpement, Université de Bourgogne
Classification: Likely pathogenic for Tooth agenesis, selective, 3. Last evaluated: 2014-01-01. Review status: criteria provided, single submitter. Criteria: ACMG Guidelines, 2007. Collection method: clinical testing. Allele origin: inherited. Affected: yes.

Solve-RD Consortium
Classification: Likely pathogenic for Tooth agenesis, selective, 3. Last evaluated: 2022-06-01. Review status: no assertion criteria provided. Collection method: provider interpretation. Allele origin: inherited. Affected: yes. Not counted in ClinVar's aggregate classification.
Comment: Variant confirmed as disease-causing by referring clinical team

Variant identified during reanalysis of unsolved cases by the Solve-RD project. The Solve-RD project has received funding from the European Union’s Horizon 2020 research and innovation programme under grant agreement No 779257.

Literature cited by the submitters: PubMed 39825153 (cited by Solve-RD Consortium).